The following is an entry in ClinVar:

NM_001846.4(COL4A2):c.4451G>A (p.Arg1484His)

Genes: COL4A2 (collagen type IV alpha 2 chain; plus strand), COL4A2-AS1 (COL4A2 antisense RNA 1; minus strand). Cytogenetic location: 13q34.
Variant type: single nucleotide variant.
Coding change: c.4451G>A on transcript NM_001846.4 (MANE Select); coding-DNA position 4451, G replaced by A.
Protein change: p.Arg1484His; replaces arginine 1484 with histidine.
Molecular consequence: missense variant.
Genome position (GRCh38, 1-based): chr13:110,506,463, G>A. VCF-style: chr13-110506463-G-A. GRCh37 (hg19) VCF-style: chr13-111158810-G-A.
Other names: short protein forms R1484H.
Identifiers: ClinVar variation 1921645 (VCV001921645.5), dbSNP rs767902568, ClinGen allele CA7050546.

ClinVar aggregate classification (germline): Uncertain significance (1 of 4 stars; one submission).

Allele frequency attached by ClinVar (database versions not stated): TOPMed 0.00002; gnomAD 0.00003; gnomAD exomes 0.00004; ExAC 0.00008; 1000 Genomes Project 30x 0.00016.
gnomAD v4.1: 60 of 1,612,708 alleles (0.0037%); highest among the groups gnomAD compares: Non-Finnish European, 0.0045%; no homozygotes.

Submission:

Labcorp Genetics (formerly Invitae), Labcorp
Classification: Uncertain significance. Last evaluated: 2022-09-23. Review status: criteria provided, single submitter. Criteria: Invitae Variant Classification Sherloc (09022015). Collection method: clinical testing. Allele origin: germline.
Comment: In summary, the available evidence is currently insufficient to determine the role of this variant in disease. Therefore, it has been classified as a Variant of Uncertain Significance. This sequence change replaces arginine, which is basic and polar, with histidine, which is basic and polar, at codon 1484 of the COL4A2 protein (p.Arg1484His). This variant is present in population databases (rs767902568, gnomAD 0.007%). This variant has not been reported in the literature in individuals affected with COL4A2-related conditions. Advanced modeling of protein sequence and biophysical properties (such as structural, functional, and spatial information, amino acid conservation, physicochemical variation, residue mobility, and thermodynamic stability) performed at Invitae indicates that this missense variant is not expected to disrupt COL4A2 protein function.